The following is an entry in ClinVar:

NM_005336.6(HDLBP):c.762G>A (p.Thr254=)

Gene: HDLBP (high density lipoprotein binding protein; minus strand). Cytogenetic location: 2q37.3.
Variant type: single nucleotide variant.
Coding change: c.762G>A on transcript NM_005336.6 (MANE Select); coding-DNA position 762, G replaced by A.
Protein change: p.Thr254=; no amino-acid change (threonine 254 retained).
Molecular consequence: synonymous variant.
Genome position (GRCh38, 1-based): chr2:241,256,295, C>T on the plus strand (G>A on the coding strand, the complement: HDLBP is on the minus strand). VCF-style: chr2-241256295-C-T. GRCh37 (hg19) VCF-style: chr2-242195710-C-T.
Other names: c.870G>A, p.Thr290= (NM_001243900.3); c.762G>A, p.Thr254= (NM_001320965.3, NM_001320966.3, NM_001320967.3 and 1 more transcripts).
Identifiers: ClinVar variation 3039207 (VCV003039207.2), dbSNP rs777871425, ClinGen allele CA2216860.

ClinVar aggregate classification (germline): Likely benign (0 of 4 stars; one submission).

Conditions:
HDLBP-related disorder. Also called: HDLBP-related condition.

Allele frequency attached by ClinVar (database versions not stated): gnomAD 0.00001; ExAC 0.00002; TOPMed 0.00002.
gnomAD v4.1: 13 of 1,613,960 alleles (0.00081%); highest among the groups gnomAD compares: African/African-American, 0.004%; no homozygotes.

Submission:

PreventionGenetics, part of Exact Sciences
Classification: Likely benign for HDLBP-related condition. Last evaluated: 2019-05-23. Review status: no assertion criteria provided. Collection method: clinical testing. Allele origin: germline.
Comment: This variant is classified as likely benign based on ACMG/AMP sequence variant interpretation guidelines (Richards et al. 2015 PMID: 25741868, with internal and published modifications).